The following is an entry in ClinVar:

NM_004104.5(FASN):c.164A>G (p.Lys55Arg)

Gene: FASN (fatty acid synthase; minus strand). Cytogenetic location: 17q25.3.
Variant type: single nucleotide variant.
Coding change: c.164A>G on transcript NM_004104.5 (MANE Select); coding-DNA position 164, A replaced by G.
Protein change: p.Lys55Arg; replaces lysine 55 with arginine.
Molecular consequence: missense variant.
Genome position (GRCh38, 1-based): chr17:82,095,436, T>C on the plus strand (A>G on the coding strand, the complement: FASN is on the minus strand). VCF-style: chr17-82095436-T-C. GRCh37 (hg19) VCF-style: chr17-80053312-T-C.
Other names: short protein forms K55R.
Identifiers: ClinVar variation 1001264 (VCV001001264.8), dbSNP rs2034287411, ClinGen allele CA401566512.

ClinVar aggregate classification (germline): Uncertain significance (1 of 4 stars; one submission).

Conditions:
Epileptic encephalopathy. Identifiers: MedGen C0543888, HP:0200134.

Submission:

Labcorp Genetics (formerly Invitae), Labcorp
Classification: Uncertain significance for Epileptic encephalopathy. Last evaluated: 2020-03-09. Review status: criteria provided, single submitter. Criteria: Invitae Variant Classification Sherloc (09022015). Collection method: clinical testing. Allele origin: germline.
Comment: This variant has not been reported in the literature in individuals with FASN-related conditions. In summary, the available evidence is currently insufficient to determine the role of this variant in disease. Therefore, it has been classified as a Variant of Uncertain Significance. Algorithms developed to predict the effect of missense changes on protein structure and function are either unavailable or do not agree on the potential impact of this missense change (SIFT: "Tolerated"; PolyPhen-2: "Possibly Damaging"; Align-GVGD: "Class C0"). This variant is not present in population databases (ExAC no frequency). This sequence change replaces lysine with arginine at codon 55 of the FASN protein (p.Lys55Arg). The lysine residue is moderately conserved and there is a small physicochemical difference between lysine and arginine.